The following is an entry in ClinVar:

ClinVar aggregate classification (germline): Likely benign (0 of 4 stars; one submission).

Conditions:
CYP3A5-related disorder. Also called: CYP3A5-related condition.

Allele frequency attached by ClinVar (database versions not stated): TOPMed 0.00035; gnomAD 0.00025.
gnomAD v4.1: 185 of 1,459,802 alleles (0.013%); highest among the groups gnomAD compares: African/African-American, 0.085%; no homozygotes.

Submission:

PreventionGenetics, part of Exact Sciences
Classification: Likely benign for CYP3A5-related condition. Last evaluated: 2022-03-25. Review status: no assertion criteria provided. Collection method: clinical testing. Allele origin: germline.
Comment: This variant is classified as likely benign based on ACMG/AMP sequence variant interpretation guidelines (Richards et al. 2015 PMID: 25741868, with internal and published modifications).

NM_000777.5(CYP3A5):c.799-127G>A

Genes: CYP3A5 (cytochrome P450 family 3 subfamily A member 5; minus strand), ZSCAN25 (zinc finger and SCAN domain containing 25; plus strand). Cytogenetic location: 7q22.1.
Variant type: single nucleotide variant.
Coding change: c.799-127G>A on transcript NM_000777.5 (MANE Select); 127 bases into the intron before coding-DNA position 799, G replaced by A.
Molecular consequence: intron variant. On other transcripts: non-coding transcript variant (1).
Genome position (GRCh38, 1-based): chr7:99,663,009, C>T on the plus strand (G>A on the coding strand, the complement: CYP3A5 is on the minus strand). VCF-style: chr7-99663009-C-T. GRCh37 (hg19) VCF-style: chr7-99260632-C-T.
Other names: c.806-6086C>T (NM_001350985.2, NM_001350984.2); c.769-127G>A (NM_001291830.2); c.460-127G>A (NM_001291829.2).
Identifiers: ClinVar variation 3047630 (VCV003047630.2), dbSNP rs754237133, ClinGen allele CA163143467.